The following is an entry in ClinVar:

ClinVar aggregate classification (germline): Conflicting classifications of pathogenicity. Review status: criteria provided, conflicting classifications (1 of 4 stars). 7 submissions from 7 submitters: Uncertain significance (3); Likely benign (2). 2 of the submissions do not count toward it. Last evaluated 2026-09-24.

Conditions:
Inborn genetic diseases. Identifiers: MedGen C0950123, MeSH D030342.
PIEZO1-related disorder. Also called: PIEZO1-Related Disorders; PIEZO1-related condition.

Allele frequency attached by ClinVar (database versions not stated): gnomAD exomes 0.00007 and 0.00016; ExAC 0.00037; 1000 Genomes Project 0.00040; 1000 Genomes Project 30x 0.00062; gnomAD 0.00070 and 0.00077; TOPMed 0.00083.
gnomAD v4.1: 203 of 1,550,146 alleles (0.013%); highest among the groups gnomAD compares: African/African-American, 0.23%; 1 homozygote.

Submissions (7):

PreventionGenetics, part of Exact Sciences
Classification: Likely benign for PIEZO1-related condition. Last evaluated: 2026-09-24. Review status: criteria provided, single submitter. Criteria: ACMG Guidelines, 2015. Collection method: clinical testing. Allele origin: germline.
Comment: This variant is classified as likely benign based on ACMG/AMP sequence variant interpretation guidelines (Richards et al. 2015 PMID: 25741868, with internal and published modifications).

Labcorp Genetics (formerly Invitae), Labcorp
Classification: Likely benign. Last evaluated: 2025-11-23. Review status: criteria provided, single submitter. Criteria: Invitae Variant Classification Sherloc (09022015). Collection method: clinical testing. Allele origin: germline.

Ambry Genetics
Classification: Uncertain significance for Inborn genetic diseases. Last evaluated: 2025-06-24. Review status: criteria provided, single submitter. Criteria: Ambry Variant Classification Scheme 2023. Collection method: clinical testing. Allele origin: germline.

Mayo Clinic Laboratories, Mayo Clinic
Classification: Uncertain significance. Last evaluated: 2024-11-15. Review status: criteria provided, single submitter. Criteria: ACMG Guidelines, 2015. Collection method: clinical testing. Allele origin: germline. Observed: 5 variant alleles.
Comment: BP4

ARUP Laboratories, Molecular Genetics and Genomics, ARUP Laboratories
Classification: Uncertain significance. Last evaluated: 2019-09-04. Review status: criteria provided, single submitter. Criteria: ARUP Molecular Germline Variant Investigation Process. Collection method: clinical testing. Allele origin: germline.

Clinical Genetics DNA and cytogenetics Diagnostics Lab, Erasmus MC, Erasmus Medical Center
Classification: Uncertain significance. Review status: no assertion criteria provided. Collection method: clinical testing. Allele origin: germline. Affected: yes. Study: VKGL Data-share Consensus. Not counted in ClinVar's aggregate classification.

Laboratory of Diagnostic Genome Analysis, Leiden University Medical Center (LUMC)
Classification: Uncertain significance. Review status: no assertion criteria provided. Collection method: clinical testing. Allele origin: germline. Affected: yes. Study: VKGL Data-share Consensus. Not counted in ClinVar's aggregate classification.

NM_001142864.4(PIEZO1):c.5291A>C (p.Glu1764Ala)

Gene: PIEZO1 (piezo type mechanosensitive ion channel component 1 (Er blood group); minus strand). Cytogenetic location: 16q24.3.
Variant type: single nucleotide variant.
Coding change: c.5291A>C on transcript NM_001142864.4 (MANE Select); coding-DNA position 5291, A replaced by C.
Protein change: p.Glu1764Ala; replaces glutamic acid 1764 with alanine.
Molecular consequence: missense variant.
Genome position (GRCh38, 1-based): chr16:88,721,650, T>G on the plus strand (A>C on the coding strand, the complement: PIEZO1 is on the minus strand). VCF-style: chr16-88721650-T-G. GRCh37 (hg19) VCF-style: chr16-88788058-T-G.
Other names: p.Glu1764Ala; c.5291A>C (NM_001142864.3); short protein forms E1764A.
Identifiers: ClinVar variation 995654 (VCV000995654.21), dbSNP rs530387460, ClinGen allele CA8231914.
Genomic context (GRCh38, chr16:88,721,650, plus strand): 5'-TTGATGTAGCCGTCAGTCTTCTCCAGGCCCAGGATGCGGGGCGGGAAGTAGGGCTTGTTC[T>G]CGTAGCGCCGCAGCACCACGTGGCTGTTCCAGGGGAAGAACCCAAACTGGAACAGGTACT-3'
Protein context (NP_001136336.2, residues 1754-1774): WNSHVVLRRY[Glu1764Ala]NKPYFPPRIL